The following is an entry in ClinVar:

ClinVar aggregate classification (germline): Uncertain significance (1 of 4 stars; one submission).

Conditions:
Blau syndrome (BLAUS). Also called: ARTHROCUTANEOUVEAL GRANULOMATOSIS; GRANULOMATOSIS, FAMILIAL JUVENILE SYSTEMIC; GRANULOMATOSIS, FAMILIAL, BLAU TYPE; GRANULOMATOUS INFLAMMATORY ARTHRITIS, DERMATITIS, AND UVEITIS, FAMILIAL; JABS SYNDROME. Identifiers: Orphanet 90340, MedGen C5201146, MONDO:0008523, OMIM 186580.
Regional enteritis. Also called: Enteritis, Granulomatous. Identifiers: MedGen C0678202, MeSH D003424.

Submission:

Labcorp Genetics (formerly Invitae), Labcorp
Classification: Uncertain significance for Regional enteritis; Blau syndrome. Last evaluated: 2024-10-23. Review status: criteria provided, single submitter. Criteria: Invitae Variant Classification Sherloc (09022015). Collection method: clinical testing. Allele origin: germline.
Comment: This sequence change replaces phenylalanine, which is neutral and non-polar, with serine, which is neutral and polar, at codon 433 of the NOD2 protein (p.Phe433Ser). This variant is not present in population databases (gnomAD no frequency). This variant has not been reported in the literature in individuals affected with NOD2-related conditions. ClinVar contains an entry for this variant (Variation ID: 1063468). Invitae Evidence Modeling of protein sequence and biophysical properties (such as structural, functional, and spatial information, amino acid conservation, physicochemical variation, residue mobility, and thermodynamic stability) indicates that this missense variant is not expected to disrupt NOD2 protein function with a negative predictive value of 95%. In summary, the available evidence is currently insufficient to determine the role of this variant in disease. Therefore, it has been classified as a Variant of Uncertain Significance.

NM_001370466.1(NOD2):c.1217T>C (p.Phe406Ser)

Gene: NOD2 (nucleotide binding oligomerization domain containing 2; plus strand). Cytogenetic location: 16q12.1.
Variant type: single nucleotide variant.
Coding change: c.1217T>C on transcript NM_001370466.1 (MANE Select); coding-DNA position 1217, T replaced by C.
Protein change: p.Phe406Ser; replaces phenylalanine 406 with serine.
Molecular consequence: missense variant. On other transcripts: non-coding transcript variant (1).
Genome position (GRCh38, 1-based): chr16:50,711,209, T>C. VCF-style: chr16-50711209-T-C. GRCh37 (hg19) VCF-style: chr16-50745120-T-C.
Other names: c.1217T>C, p.Phe406Ser (NM_001293557.2); c.1298T>C, p.Phe433Ser (NM_022162.3); short protein forms F406S, F433S.
Identifiers: ClinVar variation 1063468 (VCV001063468.7), dbSNP rs2150809796, ClinGen allele CA395868626.